The following is an entry in ClinVar:

NM_031443.4(CCM2):c.916C>A (p.Leu306Met)

Gene: CCM2 (CCM2 scaffold protein; plus strand). Cytogenetic location: 7p13.
Variant type: single nucleotide variant.
Coding change: c.916C>A on transcript NM_031443.4 (MANE Select); coding-DNA position 916, C replaced by A.
Protein change: p.Leu306Met; replaces leucine 306 with methionine.
Molecular consequence: missense variant. On other transcripts: non-coding transcript variant (1).
Genome position (GRCh38, 1-based): chr7:45,074,270, C>A. VCF-style: chr7-45074270-C-A. GRCh37 (hg19) VCF-style: chr7-45113869-C-A.
Other names: c.979C>A, p.Leu327Met (NM_001029835.2); c.742C>A, p.Leu248Met (NM_001167934.2); c.643C>A, p.Leu215Met (NM_001167935.2); c.1039C>A, p.Leu347Met (NM_001363458.2); c.865C>A, p.Leu289Met (NM_001363459.2); short protein forms L248M, L289M, L347M, L215M, L306M, L327M.
Identifiers: ClinVar variation 4704869 (VCV004704869.1).

ClinVar aggregate classification (germline): Uncertain significance (1 of 4 stars; one submission).

Conditions:
Cerebral cavernous malformation 2. Also called: Familial Cerebral Cavernous Malformation 2. Identifiers: Orphanet 221061, MedGen C1864041, MONDO:0011304, OMIM 603284.

gnomAD v4.1: 5 of 1,613,444 alleles (0.00031%); highest among the groups gnomAD compares: Non-Finnish European, 0.00042%; no homozygotes.

Submission:

Labcorp Genetics (formerly Invitae), Labcorp
Classification: Uncertain significance for Cerebral cavernous malformation 2. Last evaluated: 2026-01-20. Review status: criteria provided, single submitter. Criteria: Invitae Variant Classification Sherloc (09022015). Collection method: clinical testing. Allele origin: germline.
Comment: This sequence change replaces leucine, which is neutral and non-polar, with methionine, which is neutral and non-polar, at codon 306 of the CCM2 protein (p.Leu306Met). This variant is not present in population databases (gnomAD no frequency). This variant has not been reported in the literature in individuals affected with CCM2-related conditions. An algorithm developed to predict the effect of missense changes on protein structure and function (PolyPhen-2) suggests that this variant is likely to be disruptive. In summary, the available evidence is currently insufficient to determine the role of this variant in disease. Therefore, it has been classified as a Variant of Uncertain Significance.